The following is an entry in ClinVar:

ClinVar aggregate classification (germline): Uncertain significance. Review status: criteria provided, multiple submitters, no conflicts (2 of 4 stars). 2 submissions from 2 submitters: Uncertain significance (2). Last evaluated 2024-07-02.

Conditions:
Osteogenesis imperfecta, type XXII. Also called: Osteogenesis imperfecta, type 22; Osteogenesis imperfecta, IIA 22. Identifiers: MedGen C5676943, MONDO:0030714, OMIM 619795.

gnomAD v4.1: 13 of 1,614,008 alleles (0.00081%); highest among the groups gnomAD compares: East Asian, 0.022%; no homozygotes.

Submissions (2):

Ambry Genetics
Classification: Uncertain significance. Last evaluated: 2024-07-02. Review status: criteria provided, single submitter. Criteria: Ambry Variant Classification Scheme 2023. Collection method: clinical testing. Allele origin: germline.

Juno Genomics, Hangzhou Juno Genomics, Inc
Classification: Uncertain significance for Osteogenesis imperfecta, type XXII. Review status: criteria provided, single submitter. Criteria: ACMG Guidelines, 2015. Collection method: clinical testing. Allele origin: germline.
Comment: Absent from controls (or at extremely low frequency if recessive) in Genome Aggregation Database.;Multiple lines of computational evidence support a deleterious effect on the gene or gene product.

NM_024821.5(CCDC134):c.190A>G (p.Lys64Glu)

Gene: CCDC134 (coiled-coil domain containing 134; plus strand). Cytogenetic location: 22q13.2.
Variant type: single nucleotide variant.
Coding change: c.190A>G on transcript NM_024821.5 (MANE Select); coding-DNA position 190, A replaced by G.
Protein change: p.Lys64Glu; replaces lysine 64 with glutamic acid.
Molecular consequence: missense variant.
Genome position (GRCh38, 1-based): chr22:41,809,965, A>G. VCF-style: chr22-41809965-A-G. GRCh37 (hg19) VCF-style: chr22-42205969-A-G.
Other names: c.190A>G, p.Lys64Glu (NM_001304797.2, NM_001382346.1); short protein forms K64E.
Identifiers: ClinVar variation 3485981 (VCV003485981.3).
Genomic context (GRCh38, chr22:41,809,965, plus strand): 5'-CGGGAGCAGCTGTTGGCACTGAAGAACCTGGCACAGCTGAACGACATCCACCAGCAGTAC[A>G]AGATCCTTGATGTCATGCTCAAGGGGCTCTTTAAGGTGTGTGCAGGCAGGGGGCAGCTCA-3'
Protein context (NP_079097.1, residues 54-74): AQLNDIHQQY[Lys64Glu]ILDVMLKGLF